The following is an entry in ClinVar:

NM_001077653.2(TBX20):c.203G>A (p.Gly68Asp)

Gene: TBX20 (T-box transcription factor 20; minus strand). Cytogenetic location: 7p14.2.
Variant type: single nucleotide variant.
Coding change: c.203G>A on transcript NM_001077653.2 (MANE Select); coding-DNA position 203, G replaced by A.
Protein change: p.Gly68Asp; replaces glycine 68 with aspartic acid.
Molecular consequence: missense variant.
Genome position (GRCh38, 1-based): chr7:35,250,128, C>T on the plus strand (G>A on the coding strand, the complement: TBX20 is on the minus strand). VCF-style: chr7-35250128-C-T. GRCh37 (hg19) VCF-style: chr7-35289740-C-T.
Other names: c.203G>A, p.Gly68Asp (NM_001166220.1); short protein forms G68D.
Identifiers: ClinVar variation 3721992 (VCV003721992.3).

ClinVar aggregate classification (germline): Uncertain significance. Review status: criteria provided, multiple submitters, no conflicts (2 of 4 stars). 2 submissions from 2 submitters: Uncertain significance (2). Last evaluated 2026-08-16.

Conditions:
Cardiovascular phenotype. Identifiers: MedGen CN230736.

Submissions (2):

Ambry Genetics
Classification: Uncertain significance for Cardiovascular phenotype. Last evaluated: 2026-08-16. Review status: criteria provided, single submitter. Criteria: Ambry Variant Classification Scheme 2023. Collection method: clinical testing. Allele origin: germline.
Comment: The p.G68D variant (also known as c.203G>A), located in coding exon 2 of the TBX20 gene, results from a G to A substitution at nucleotide position 203. The glycine at codon 68 is replaced by aspartic acid, an amino acid with similar properties. This amino acid position is conserved. In addition, this alteration is predicted to be tolerated by in silico analysis. Based on the available evidence, the clinical significance of this variant remains unclear.

Labcorp Genetics (formerly Invitae), Labcorp
Classification: Uncertain significance. Last evaluated: 2024-10-02. Review status: criteria provided, single submitter. Criteria: Invitae Variant Classification Sherloc (09022015). Collection method: clinical testing. Allele origin: germline.
Comment: This sequence change replaces glycine, which is neutral and non-polar, with aspartic acid, which is acidic and polar, at codon 68 of the TBX20 protein (p.Gly68Asp). This variant is not present in population databases (gnomAD no frequency). This variant has not been reported in the literature in individuals affected with TBX20-related conditions. An algorithm developed to predict the effect of missense changes on protein structure and function (PolyPhen-2) suggests that this variant is likely to be tolerated. In summary, the available evidence is currently insufficient to determine the role of this variant in disease. Therefore, it has been classified as a Variant of Uncertain Significance.